The following is an entry in ClinVar:

NM_153603.4(COG7):c.758T>A (p.Leu253His)

Gene: COG7 (component of oligomeric golgi complex 7; minus strand). Cytogenetic location: 16p12.2.
Variant type: single nucleotide variant.
Coding change: c.758T>A on transcript NM_153603.4 (MANE Select); coding-DNA position 758, T replaced by A.
Protein change: p.Leu253His; replaces leucine 253 with histidine.
Molecular consequence: missense variant.
Genome position (GRCh38, 1-based): chr16:23,433,597, A>T on the plus strand (T>A on the coding strand, the complement: COG7 is on the minus strand). VCF-style: chr16-23433597-A-T. GRCh37 (hg19) VCF-style: chr16-23444918-A-T.
Other names: short protein forms L253H.
Identifiers: ClinVar variation 1432254 (VCV001432254.6), dbSNP rs1413062130, ClinGen allele CA395114915.

ClinVar aggregate classification (germline): Uncertain significance (1 of 4 stars; one submission).

Conditions:
COG7 congenital disorder of glycosylation (CDG2E). Also called: CONGENITAL DISORDER OF GLYCOSYLATION, TYPE IIe; CDG IIe. Identifiers: Orphanet 79333, MedGen C2931010, MONDO:0012118, OMIM 608779.

Submission:

Labcorp Genetics (formerly Invitae), Labcorp
Classification: Uncertain significance for COG7 congenital disorder of glycosylation. Last evaluated: 2021-08-10. Review status: criteria provided, single submitter. Criteria: Invitae Variant Classification Sherloc (09022015). Collection method: clinical testing. Allele origin: germline.
Comment: This sequence change replaces leucine with histidine at codon 253 of the COG7 protein (p.Leu253His). The leucine residue is moderately conserved and there is a moderate physicochemical difference between leucine and histidine. This variant is not present in population databases (ExAC no frequency). In summary, the available evidence is currently insufficient to determine the role of this variant in disease. Therefore, it has been classified as a Variant of Uncertain Significance. Algorithms developed to predict the effect of missense changes on protein structure and function are either unavailable or do not agree on the potential impact of this missense change (SIFT: "Deleterious"; PolyPhen-2: "Possibly Damaging"; Align-GVGD: "Class C0"). This variant has not been reported in the literature in individuals affected with COG7-related conditions.